The following is an entry in ClinVar:

NM_001267550.2(TTN):c.94502T>C (p.Ile31501Thr)

Genes: TTN (titin; minus strand), TTN-AS1 (TTN antisense RNA 1; plus strand). Cytogenetic location: 2q31.2.
Variant type: single nucleotide variant.
Coding change: c.94502T>C on transcript NM_001267550.2 (MANE Select); coding-DNA position 94502, T replaced by C.
Protein change: p.Ile31501Thr; replaces isoleucine 31501 with threonine.
Molecular consequence: missense variant.
Genome position (GRCh38, 1-based): chr2:178,547,023, A>G on the plus strand (T>C on the coding strand, the complement: TTN is on the minus strand). VCF-style: chr2-178547023-A-G. GRCh37 (hg19) VCF-style: chr2-179411750-A-G.
Other names: p.I29860T:ATA>ACA; c.89579T>C, p.Ile29860Thr (NM_001256850.1); c.67307T>C, p.Ile22436Thr (NM_003319.4); c.86798T>C, p.Ile28933Thr (NM_133378.4); c.67682T>C, p.Ile22561Thr (NM_133432.3); c.67883T>C, p.Ile22628Thr (NM_133437.4); short protein forms I29860T, I31501T, I22628T, I22436T, I28933T, I22561T.
Identifiers: ClinVar variation 203004 (VCV000203004.4), dbSNP rs758756316, ClinGen allele CA310950.

ClinVar aggregate classification (germline): Uncertain significance. Review status: criteria provided, multiple submitters, no conflicts (2 of 4 stars). 2 submissions from 2 submitters: Uncertain significance (2). Last evaluated 2017-06-30.

Conditions:
Dilated cardiomyopathy 1G (CMD1G). Identifiers: Orphanet 154, MedGen C1858763, MONDO:0011400, OMIM 604145.
Autosomal recessive limb-girdle muscular dystrophy type 2J (LGMDR10). Also called: MUSCULAR DYSTROPHY, LIMB-GIRDLE, AUTOSOMAL RECESSIVE 10; Limb-girdle muscular dystrophy, type 2J. Identifiers: Orphanet 140922, MedGen C1837342, MONDO:0012127, OMIM 608807.

Allele frequency attached by ClinVar (database versions not stated): gnomAD exomes 0.00001 and 0.00003; ExAC 0.00003.

Submissions (2):

Labcorp Genetics (formerly Invitae), Labcorp
Classification: Uncertain significance for Dilated cardiomyopathy 1G; Autosomal recessive limb-girdle muscular dystrophy type 2J. Last evaluated: 2017-06-30. Review status: criteria provided, single submitter. Criteria: Invitae Variant Classification Sherloc (09022015). Collection method: clinical testing. Allele origin: germline.

GeneDx
Classification: Uncertain significance. Last evaluated: 2014-05-05. Review status: criteria provided, single submitter. Criteria: GeneDx Variant Classification (06012015). Collection method: clinical testing. Allele origin: germline. Affected: yes.
Comment: Missense variants in the TTN gene are considered 'unclassified' if they are not previously reported in the literature and do not have >1% frequency in the population to be considered a polymorphism. Research indicates that truncating mutations in the TTN gene are expected to account for approximately 25% of familial and 18% of sporadic idiopathic DCM; however, truncating variants in the TTN gene have been reported in approximately 3% of reported control alleles. There has been little investigation into non-truncating variants. (Herman D et al. Truncations of titin causing dilated cardiomyopathy. N Eng J Med 366:619-628, 2012) The variant is found in DCM-CRDM panel(s).